The following is an entry in ClinVar:

NM_002317.7(LOX):c.1035+6T>C

Genes: LOX (lysyl oxidase; minus strand), SRFBP1 (serum response factor binding protein 1; plus strand). Cytogenetic location: 5q23.1.
Variant type: single nucleotide variant.
Coding change: c.1035+6T>C on transcript NM_002317.7 (MANE Select); 6 bases into the intron after coding-DNA position 1035, T replaced by C.
Molecular consequence: intron variant.
Genome position (GRCh38, 1-based): chr5:122,074,007, A>G on the plus strand (T>C on the coding strand, the complement: LOX is on the minus strand). VCF-style: chr5-122074007-A-G. GRCh37 (hg19) VCF-style: chr5-121409702-A-G.
Other names: c.345+6T>C (NM_001178102.2); c.144+6T>C (NM_001317073.1).
Identifiers: ClinVar variation 3674350 (VCV003674350.2).
Genomic context (GRCh38, chr5:122,074,007, plus strand): 5'-AACTAACGGTAGATGACCCGTTTCTCTCTGAGGCTTGAGGTTCTGGATTTCAGGGTGCCA[A>G]CATACCTGTGTGTGTGCAGTACATGCAAATCGCCTGTGGTAGCCATAGTCACAGGATGTG-3'

ClinVar aggregate classification (germline): Uncertain significance (1 of 4 stars; one submission).

gnomAD v4.1: 7 of 1,610,150 alleles (0.00043%); highest among the groups gnomAD compares: African/African-American, 0.0053%; no homozygotes.

Submission:

Labcorp Genetics (formerly Invitae), Labcorp
Classification: Uncertain significance. Last evaluated: 2024-10-08. Review status: criteria provided, single submitter. Criteria: Invitae Variant Classification Sherloc (09022015). Collection method: clinical testing. Allele origin: germline.
Comment: This sequence change falls in intron 4 of the LOX gene. It does not directly change the encoded amino acid sequence of the LOX protein. It affects a nucleotide within the consensus splice site. This variant is present in population databases (rs753216809, gnomAD 0.009%). This variant has not been reported in the literature in individuals affected with LOX-related conditions. Variants that disrupt the consensus splice site are a relatively common cause of aberrant splicing (PMID: 17576681, 9536098). Algorithms developed to predict the effect of sequence changes on RNA splicing suggest that this variant is not likely to affect RNA splicing. In summary, the available evidence is currently insufficient to determine the role of this variant in disease. Therefore, it has been classified as a Variant of Uncertain Significance.

Literature cited by the submitters: PubMed 17576681; PubMed 9536098.